The following is an entry in ClinVar:

NM_004839.4(HOMER2):c.601A>G (p.Lys201Glu)

Gene: HOMER2 (homer scaffold protein 2; minus strand). Cytogenetic location: 15q25.2.
Variant type: single nucleotide variant.
Coding change: c.601A>G on transcript NM_004839.4 (MANE Select); coding-DNA position 601, A replaced by G.
Protein change: p.Lys201Glu; replaces lysine 201 with glutamic acid.
Molecular consequence: missense variant.
Genome position (GRCh38, 1-based): chr15:82,854,694, T>C on the plus strand (A>G on the coding strand, the complement: HOMER2 is on the minus strand). VCF-style: chr15-82854694-T-C. GRCh37 (hg19) VCF-style: chr15-83523446-T-C.
Other names: c.634A>G, p.Lys212Glu (NM_199330.3); short protein forms K201E, K212E.
Identifiers: ClinVar variation 3620668 (VCV003620668.2).

ClinVar aggregate classification (germline): Uncertain significance (1 of 4 stars; one submission).

gnomAD v4.1: 23 of 1,613,124 alleles (0.0014%); highest among the groups gnomAD compares: Non-Finnish European, 0.0019%; no homozygotes.

Submission:

Labcorp Genetics (formerly Invitae), Labcorp
Classification: Uncertain significance. Last evaluated: 2024-04-20. Review status: criteria provided, single submitter. Criteria: Invitae Variant Classification Sherloc (09022015). Collection method: clinical testing. Allele origin: germline.
Comment: This sequence change replaces lysine, which is basic and polar, with glutamic acid, which is acidic and polar, at codon 201 of the HOMER2 protein (p.Lys201Glu). This variant is present in population databases (rs377132486, gnomAD 0.004%). This variant has not been reported in the literature in individuals affected with HOMER2-related conditions. An algorithm developed to predict the effect of missense changes on protein structure and function (PolyPhen-2) suggests that this variant is likely to be tolerated. In summary, the available evidence is currently insufficient to determine the role of this variant in disease. Therefore, it has been classified as a Variant of Uncertain Significance.